The following is an entry in ClinVar:

NM_138694.4(PKHD1):c.575_578del (p.Ser192fs)

Gene: PKHD1 (PKHD1 ciliary IPT domain containing fibrocystin/polyductin; minus strand). Cytogenetic location: 6p12.2.
Variant type: Microsatellite.
Coding change: c.575_578del on transcript NM_138694.4 (MANE Select); coding-DNA positions 575 to 578, 4 bases deleted (CTCT; older notation c.575_578delCTCT).
Protein change: p.Ser192fs; shifts the reading frame from serine 192.
Molecular consequence: frameshift variant.
Genome position (GRCh38, 1-based): chr6:52,072,139-52,072,142, AGAG deleted on the plus strand (CTCT on the coding strand, the reverse complement: PKHD1 is on the minus strand); deleting any 4 consecutive bases within chr6:52,072,139-52,072,144 gives the same sequence; the c. name uses the placement nearest the transcript's 3' end. VCF-style (leftmost placement, unchanged base first): chr6-52072138-AAGAG-A. GRCh37 (hg19) VCF-style: chr6-51936936-AAGAG-A.
Other names: c.575_578delCTCT (NM_138694.4, NM_138694.3); c.575_578del, p.Ser192fs (NM_170724.3); short protein forms S192fs.
Identifiers: ClinVar variation 1939039 (VCV001939039.8), dbSNP rs2533606360, ClinGen allele CA2580617264.

ClinVar aggregate classification (germline): Pathogenic/Likely pathogenic. Review status: criteria provided, multiple submitters, no conflicts (2 of 4 stars). 3 submissions from 3 submitters: Pathogenic (2); Likely pathogenic (1). Last evaluated 2025-09-02.

Conditions:
Autosomal recessive polycystic kidney disease (ARPKD). Also called: AR polycystic kidney disease. Identifiers: Orphanet 731, Orphanet 8378, MedGen C0085548, MeSH D017044, MONDO:0009889.

Submissions (3):

Natera, Inc.
Classification: Likely pathogenic for Autosomal recessive polycystic kidney disease. Last evaluated: 2025-09-02. Review status: criteria provided, single submitter. Criteria: Natera Variant Classification Schema (03/2026). Collection method: clinical testing. Allele origin: germline.
Comment: The c.575_578delCTCT variant in PKHD1 is a frameshift variant predicted to shift the reading frame beginning at codon 192 and leads to a stop codon 2 codons downstream. This variant is expected to result in nonsense mediated decay, truncation, or a dysfunctional protein product. This variant is rare in the general population with a frequency below the threshold expected for the associated phenotype(s). Given the available evidence, this variant is classified as Likely Pathogenic.

Women's Health and Genetics/Laboratory Corporation of America, LabCorp
Classification: Pathogenic for Autosomal recessive polycystic kidney disease. Last evaluated: 2025-01-27. Review status: criteria provided, single submitter. Criteria: LabCorp Variant Classification Summary - May 2015. Collection method: clinical testing. Allele origin: germline.
Comment: Variant summary: PKHD1 c.575_578delCTCT (p.Ser192LeufsX2) results in a premature termination codon, predicted to cause a truncation of the encoded protein or absence of the protein due to nonsense mediated decay, which are commonly known mechanisms for disease. The variant was absent in 251208 control chromosomes. To our knowledge, no occurrence of c.575_578delCTCT in individuals affected with Polycystic Kidney And Hepatic Disease and no experimental evidence demonstrating its impact on protein function have been reported. ClinVar contains an entry for this variant (Variation ID: 1939039). Based on the evidence outlined above, the variant was classified as pathogenic.

Labcorp Genetics (formerly Invitae), Labcorp
Classification: Pathogenic for Autosomal recessive polycystic kidney disease. Last evaluated: 2023-03-27. Review status: criteria provided, single submitter. Criteria: Invitae Variant Classification Sherloc (09022015). Collection method: clinical testing. Allele origin: germline.
Comment: This sequence change creates a premature translational stop signal (p.Ser192Leufs*2) in the PKHD1 gene. It is expected to result in an absent or disrupted protein product. Loss-of-function variants in PKHD1 are known to be pathogenic (PMID: 19940839). This variant is not present in population databases (gnomAD no frequency). This variant has not been reported in the literature in individuals affected with PKHD1-related conditions. For these reasons, this variant has been classified as Pathogenic.

Literature cited by the submitters: PubMed 19940839 (cited by Labcorp Genetics (formerly Invitae), Labcorp).